The following is an entry in ClinVar:

NM_000203.5(IDUA):c.1323C>A (p.Tyr441Ter)

Gene: IDUA (alpha-L-iduronidase; plus strand). Cytogenetic location: 4p16.3.
Variant type: single nucleotide variant.
Coding change: c.1323C>A on transcript NM_000203.5 (MANE Select); coding-DNA position 1323, C replaced by A.
Protein change: p.Tyr441Ter; replaces tyrosine 441 with a stop codon.
Molecular consequence: nonsense. On other transcripts: non-coding transcript variant (1).
Genome position (GRCh38, 1-based): chr4:1,002,865, C>A. VCF-style: chr4-1002865-C-A. GRCh37 (hg19) VCF-style: chr4-996653-C-A.
Other names: NM_001363576.1:c.927C>A; c.927C>A, p.Tyr309Ter (NM_001363576.1); short protein forms Y309*, Y441*.
Identifiers: ClinVar variation 2704858 (VCV002704858.4), dbSNP rs1463087550, ClinGen allele CA355963971.

ClinVar aggregate classification (germline): Likely pathogenic. Review status: reviewed by expert panel (3 of 4 stars). 2 submissions from 2 submitters: Likely pathogenic (1). 1 of the submissions does not count toward it. Last evaluated 2024-12-06.

Conditions:
Mucopolysaccharidosis type 1. Also called: Mucopolysaccharidosis Type I; IDUA deficiency; MPS I. Identifiers: Orphanet 579, MedGen C0023786, MONDO:0001586.

Submissions (2):

ClinGen Lysosomal Storage Disorder Variant Curation Expert Panel
Classification: Likely pathogenic for Mucopolysaccharidosis type 1. Last evaluated: 2024-12-06. Review status: reviewed by expert panel. Criteria: ClinGen LSD ACMG Specifications IDUA V1.0.0. Collection method: curation. Allele origin: germline. Inheritance: Autosomal recessive inheritance.
Comment: The NM_000203.5(IDUA):c.1323C>A (p.Tyr441Ter) variant in IDUA is a nonsense variant predicted to cause a premature stop codon in biologically-relevant-exon 9 (IDUA has 14 exons), leading to nonsense mediated decay in a gene in which loss-of-function is an established disease mechanism (PVS1). This variant is absent in gnomAD v4.1.0. (PM2_Supporting). There is a ClinVar entry for this variant (Variation ID: 2704858). The classification of this variant has been upgraded from Variant of Uncertain Significance to Likely Pathogenic based on the recommendations of the ClinGen Sequence Variant Interpretation Working Group, that a variant meeting PVS1 and PM2_Supporting is classified as Likely Pathogenic. T\In summary, this variant also meets the criteria to be classified as likely pathogenic for MPS 1 based on the ACMG/AMP criteria applied, as specified by the ClinGen Lysosomal Diseases Variant Curation Expert Panel (Specifications Version 1.0.0: PVS1, PM2_Supporting. (Classification approved by the ClinGen Lysosomal Diseases Variant Curation Expert Panel on December 6, 2024)

Labcorp Genetics (formerly Invitae), Labcorp
Classification: Pathogenic for Mucopolysaccharidosis type 1. Last evaluated: 2023-06-09. Review status: criteria provided, single submitter. Criteria: Invitae Variant Classification Sherloc (09022015). Collection method: clinical testing. Allele origin: germline. Not counted in ClinVar's aggregate classification.
Comment: For these reasons, this variant has been classified as Pathogenic. This variant has not been reported in the literature in individuals affected with IDUA-related conditions. This variant is not present in population databases (gnomAD no frequency). This sequence change creates a premature translational stop signal (p.Tyr441*) in the IDUA gene. It is expected to result in an absent or disrupted protein product. Loss-of-function variants in IDUA are known to be pathogenic (PMID: 11735025, 21480867).

Literature cited by the submitters: PubMed 11735025 (cited by Labcorp Genetics (formerly Invitae), Labcorp); PubMed 21480867 (cited by Labcorp Genetics (formerly Invitae), Labcorp).